The following is an entry in ClinVar:

ClinVar aggregate classification (germline): Uncertain significance. Review status: criteria provided, multiple submitters, no conflicts (2 of 4 stars). 2 submissions from 2 submitters: Uncertain significance (2). Last evaluated 2025-03-19.

Conditions:
Dubin-Johnson syndrome (DJS). Also called: HYPERBILIRUBINEMIA, DUBIN-JOHNSON TYPE; Hyperbilirubinemia type 2; Jaundice, Chronic Idiopathic. Identifiers: Orphanet 234, MedGen C0022350, MONDO:0009380, OMIM 237500.
ABCC2-related disorder. Also called: ABCC2-related condition.

Submissions (2):

PreventionGenetics, part of Exact Sciences
Classification: Uncertain significance for ABCC2-related condition. Last evaluated: 2025-03-19. Review status: criteria provided, single submitter. Criteria: ACMG Guidelines, 2015. Collection method: clinical testing. Allele origin: germline.
Comment: The ABCC2 c.3629G>T variant is predicted to result in the amino acid substitution p.Arg1210Leu. To our knowledge, this variant has not been reported in the literature. This variant is reported in 0.0062% of alleles in individuals of African descent in gnomAD. At this time, the clinical significance of this variant is uncertain due to the absence of conclusive functional and genetic evidence.

Neuberg Centre For Genomic Medicine, NCGM
Classification: Uncertain significance for Dubin-Johnson syndrome. Last evaluated: 2023-06-22. Review status: criteria provided, single submitter. Criteria: ACMG Guidelines, 2015. Collection method: clinical testing. Allele origin: germline. Inheritance: Autosomal recessive inheritance. Affected: yes.
Comment: The observed missense variant c.3629G>T(p.Arg1210Leu) in ABCC2 gene has not been reported previously as a pathogenic variant nor as a benign variant, to our knowledge. The (p.Arg1210Leu) variant is reported with 0.001% allele frequency in gnomAD Exomes. The amino acid Arg at position 1210 is changed to a Leu changing protein sequence and it might alter its composition and physico-chemical properties. Multiple lines of computational evidence (Polyphen-possibly damaging, SIFT-damaging and Mutation Taster-disease causing) predict a damaging effect on protein structure and function for this variant. The reference amino acid p.Arg1210Leu in ABCC2 is predicted as conserved by GERP++ and PhyloP across 100 vertebrates. For these reasons, this variant has been classified as Uncertain Significance.

NM_000392.5(ABCC2):c.3629G>T (p.Arg1210Leu)

Gene: ABCC2 (ATP binding cassette subfamily C member 2; plus strand). Cytogenetic location: 10q24.2.
Variant type: single nucleotide variant.
Coding change: c.3629G>T on transcript NM_000392.5 (MANE Select); coding-DNA position 3629, G replaced by T.
Protein change: p.Arg1210Leu; replaces arginine 1210 with leucine.
Molecular consequence: missense variant.
Genome position (GRCh38, 1-based): chr10:99,841,981, G>T. VCF-style: chr10-99841981-G-T. GRCh37 (hg19) VCF-style: chr10-101601738-G-T.
Other names: c.3629G>T (NM_000392.4); short protein forms R1210L.
Identifiers: ClinVar variation 3377724 (VCV003377724.2).
Genomic context (GRCh38, chr10:99,841,981, plus strand): 5'-AGGACGTGATCAGTGACACGCACTCTCTGGTTCTGTTGCCCCACAGGTGGCTTGCAATTC[G>T]CCTGGAGCTGGTTGGGAACCTGACTGTCTTCTTTTCAGCCTTGATGATGGTTATTTATAG-3'
Protein context (NP_000383.2, residues 1200-1220): WITSNRWLAI[Arg1210Leu]LELVGNLTVF